The following is an entry in ClinVar:

NM_002103.5(GYS1):c.162_163del (p.Asp56fs)

Gene: GYS1 (glycogen synthase 1; minus strand). Cytogenetic location: 19q13.33.
Variant type: Deletion.
Coding change: c.162_163del on transcript NM_002103.5 (MANE Select); coding-DNA positions 162 to 163, 2 bases deleted (AG; older notation c.162_163delAG).
Protein change: p.Asp56fs; shifts the reading frame from aspartic acid 56.
Molecular consequence: frameshift variant.
Genome position (GRCh38, 1-based): chr19:48,991,439-48,991,440, CT deleted on the plus strand (AG on the coding strand, the reverse complement: GYS1 is on the minus strand). VCF-style (leftmost placement, unchanged base first): chr19-48991438-CCT-C. GRCh37 (hg19) VCF-style: chr19-49494695-CCT-C.
Other names: c.162_163delAG (NM_002103.4); c.162_163del, p.Asp56fs (NM_001161587.2); short protein forms D56fs.
Identifiers: ClinVar variation 128236 (VCV000128236.12), dbSNP rs587777375, ClinGen allele CA151545.

ClinVar aggregate classification (germline): Pathogenic/Likely pathogenic. Review status: criteria provided, multiple submitters, no conflicts (2 of 4 stars). 5 submissions from 5 submitters: Pathogenic (2); Likely pathogenic (2). 1 of the submissions does not count toward it. Last evaluated 2025-06-20.

Conditions:
GYS1-related disorder. Also called: GYS1-related condition.
Glycogen storage disease due to muscle and heart glycogen synthase deficiency. Also called: GSD 0b; MUSCLE GLYCOGEN SYNTHASE DEFICIENCY. Identifiers: Orphanet 137625, MedGen C1969054, MONDO:0012693, OMIM 611556.

Allele frequency attached by ClinVar (database versions not stated): gnomAD 0.00005 and 0.00006; gnomAD exomes 0.00005 and 0.00006; ExAC 0.00007; TOPMed 0.00007.

Submissions (5):

GeneDx
Classification: Pathogenic. Last evaluated: 2025-06-20. Review status: criteria provided, single submitter. Criteria: GeneDx Variant Classification Process June 2021. Collection method: clinical testing. Allele origin: germline.
Comment: Frameshift variant predicted to result in protein truncation or nonsense mediated decay in a gene for which loss of function is a known mechanism of disease; This variant is associated with the following publications: (PMID: 19699667)

PreventionGenetics, part of Exact Sciences
Classification: Likely pathogenic for GYS1-related condition. Last evaluated: 2025-02-12. Review status: criteria provided, single submitter. Criteria: ACMG Guidelines, 2015. Collection method: clinical testing. Allele origin: germline.
Comment: The GYS1 c.162_163delAG variant is predicted to result in a frameshift and premature protein termination (p.Asp56Argfs*108). This variant has been reported in the homozygous state in an individual with GYS1 deficiency (Cameron et al. 2009. PubMed ID: 19699667). This variant is reported in 0.025% of alleles in individuals of African descent in gnomAD. Frameshift variants in GYS1 are expected to be pathogenic. This variant is interpreted as likely pathogenic.

Labcorp Genetics (formerly Invitae), Labcorp
Classification: Pathogenic for Glycogen storage disease due to muscle and heart glycogen synthase deficiency. Last evaluated: 2025-01-11. Review status: criteria provided, single submitter. Criteria: Invitae Variant Classification Sherloc (09022015). Collection method: clinical testing. Allele origin: germline.
Comment: This sequence change creates a premature translational stop signal (p.Asp56Argfs*108) in the GYS1 gene. It is expected to result in an absent or disrupted protein product. Loss-of-function variants in GYS1 are known to be pathogenic (PMID: 17928598, 19699667). This variant is present in population databases (rs587777375, gnomAD 0.03%). This premature translational stop signal has been observed in individual(s) with clinical features of glycogen synthase deficiency (PMID: 19699667). ClinVar contains an entry for this variant (Variation ID: 128236). For these reasons, this variant has been classified as Pathogenic.

Genomic Research Center, Shahid Beheshti University of Medical Sciences
Classification: Likely pathogenic for Glycogen storage disease 0, muscle. Last evaluated: 2019-01-01. Review status: criteria provided, single submitter. Criteria: ACMG Guidelines, 2015. Collection method: clinical testing. Allele origin: unknown. Affected: yes.

OMIM
Classification: Pathogenic for GLYCOGEN STORAGE DISEASE 0, MUSCLE, CHILDHOOD-ONSET. Last evaluated: 2009-12-01. Review status: no assertion criteria provided. Collection method: literature only. Allele origin: germline. Not counted in ClinVar's aggregate classification.

Literature cited by the submitters: PubMed 17928598 (cited by Labcorp Genetics (formerly Invitae), Labcorp); PubMed 19699667 (cited by Labcorp Genetics (formerly Invitae), Labcorp and OMIM).